The following is an entry in ClinVar:

NM_000465.4(BARD1):c.1314+6A>C

Gene: BARD1 (BRCA1 associated RING domain 1; minus strand). Cytogenetic location: 2q35.
Variant type: single nucleotide variant.
Coding change: c.1314+6A>C on transcript NM_000465.4 (MANE Select); 6 bases into the intron after coding-DNA position 1314, A replaced by C.
Molecular consequence: intron variant.
Genome position (GRCh38, 1-based): chr2:214,780,554, T>G on the plus strand (A>C on the coding strand, the complement: BARD1 is on the minus strand). VCF-style: chr2-214780554-T-G. GRCh37 (hg19) VCF-style: chr2-215645278-T-G.
Other names: c.159-27999A>C (NM_001282548.2); c.1257+6A>C (NM_001282543.2); c.215+16507A>C (NM_001282545.2); c.364+11743A>C (NM_001282549.2).
Identifiers: ClinVar variation 1394243 (VCV001394243.7), dbSNP rs1553622073, ClinGen allele CA2573135110.

ClinVar aggregate classification (germline): Uncertain significance (1 of 4 stars; one submission).

Conditions:
Familial cancer of breast. Also called: hereditary breast carcinoma; BREAST CANCER, FAMILIAL; Hereditary breast cancer. Identifiers: Orphanet 227535, MedGen C0346153, MONDO:0016419, OMIM 114480. Disease mechanism: loss of function.

Submission:

Labcorp Genetics (formerly Invitae), Labcorp
Classification: Uncertain significance for Familial cancer of breast. Last evaluated: 2022-07-12. Review status: criteria provided, single submitter. Criteria: Invitae Variant Classification Sherloc (09022015). Collection method: clinical testing. Allele origin: germline.
Comment: In summary, the available evidence is currently insufficient to determine the role of this variant in disease. Therefore, it has been classified as a Variant of Uncertain Significance. Variants that disrupt the consensus splice site are a relatively common cause of aberrant splicing (PMID: 17576681, 9536098). Algorithms developed to predict the effect of sequence changes on RNA splicing suggest that this variant is not likely to affect RNA splicing. ClinVar contains an entry for this variant (Variation ID: 1394243). This variant has been observed in individual(s) with breast cancer (PMID: 33646313). This variant is not present in population databases (gnomAD no frequency). This sequence change falls in intron 4 of the BARD1 gene. It does not directly change the encoded amino acid sequence of the BARD1 protein. It affects a nucleotide within the consensus splice site.

Literature cited by the submitters: PubMed 17576681; PubMed 9536098; PubMed 33646313.